The following is an entry in ClinVar:

ClinVar aggregate classification (germline): Uncertain significance. Review status: criteria provided, multiple submitters, no conflicts (2 of 4 stars). 2 submissions from 2 submitters: Uncertain significance (2). Last evaluated 2023-08-01.

Conditions:
Glycogen storage disease XV (GSD15). Also called: GLYCOGENIN DEFICIENCY; GSD XV. Identifiers: Orphanet 263297, MedGen C3150754, MONDO:0013291, OMIM 613507.
Polyglucosan body myopathy type 2. Identifiers: Orphanet 456369, MedGen C4015452, MONDO:0014526, OMIM 616199.

Allele frequency attached by ClinVar (database versions not stated): gnomAD exomes below 0.00001 and 0.00001; TOPMed 0.00001.
gnomAD v4.1: 11 of 1,613,970 alleles (0.00068%); highest among the groups gnomAD compares: Middle Eastern, 0.017%; no homozygotes.

Submissions (2):

CeGaT Center for Human Genetics Tuebingen
Classification: Uncertain significance. Last evaluated: 2023-08-01. Review status: criteria provided, single submitter. Criteria: CeGaT Center For Human Genetics Tuebingen Variant Classification Criteria Version 2. Collection method: clinical testing. Allele origin: germline. Affected: yes. Observed: 1 variant allele.

Labcorp Genetics (formerly Invitae), Labcorp
Classification: Uncertain significance for Polyglucosan body myopathy type 2; Glycogen storage disease XV. Last evaluated: 2022-08-31. Review status: criteria provided, single submitter. Criteria: Invitae Variant Classification Sherloc (09022015). Collection method: clinical testing. Allele origin: germline.
Comment: This sequence change replaces aspartic acid, which is acidic and polar, with histidine, which is basic and polar, at codon 113 of the GYG1 protein (p.Asp113His). This variant is present in population databases (no rsID available, gnomAD 0.0009%). This variant has not been reported in the literature in individuals affected with GYG1-related conditions. ClinVar contains an entry for this variant (Variation ID: 1430357). Algorithms developed to predict the effect of missense changes on protein structure and function are either unavailable or do not agree on the potential impact of this missense change (SIFT: "Deleterious"; PolyPhen-2: "Probably Damaging"; Align-GVGD: "Class C0"). In summary, the available evidence is currently insufficient to determine the role of this variant in disease. Therefore, it has been classified as a Variant of Uncertain Significance.

NM_004130.4(GYG1):c.337G>C (p.Asp113His)

Gene: GYG1 (glycogenin 1; plus strand). Cytogenetic location: 3q24.
Variant type: single nucleotide variant.
Coding change: c.337G>C on transcript NM_004130.4 (MANE Select); coding-DNA position 337, G replaced by C.
Protein change: p.Asp113His; replaces aspartic acid 113 with histidine.
Molecular consequence: missense variant.
Genome position (GRCh38, 1-based): chr3:148,996,760, G>C. VCF-style: chr3-148996760-G-C. GRCh37 (hg19) VCF-style: chr3-148714547-G-C.
Other names: c.337G>C, p.Asp113His (NM_001184720.2, NM_001184721.2); short protein forms D113H.
Identifiers: ClinVar variation 1430357 (VCV001430357.29), dbSNP rs968503138, ClinGen allele CA85493734.